The following is an entry in ClinVar:

NM_198252.3(GSN):c.1399G>A (p.Gly467Arg)

Gene: GSN (gelsolin; plus strand). Cytogenetic location: 9q33.2.
Variant type: single nucleotide variant.
Coding change: c.1399G>A on transcript NM_198252.3 (MANE Select); coding-DNA position 1399, G replaced by A.
Protein change: p.Gly467Arg; replaces glycine 467 with arginine.
Molecular consequence: missense variant.
Genome position (GRCh38, 1-based): chr9:121,324,627, G>A. VCF-style: chr9-121324627-G-A. GRCh37 (hg19) VCF-style: chr9-124086905-G-A.
Other names: c.1552G>A, p.Gly518Arg (NM_000177.5); c.1399G>A, p.Gly467Arg (NM_001127662.2, NM_001127664.2, NM_001127665.2 and 10 more transcripts); c.1507G>A, p.Gly503Arg (NM_001127663.2); c.1432G>A, p.Gly478Arg (NM_001127666.2, NM_001127667.2, NM_001353063.2 and 13 more transcripts); c.1450G>A, p.Gly484Arg (NM_001258029.2); c.1423G>A, p.Gly475Arg (NM_001258030.2); c.1471G>A, p.Gly491Arg (NM_001353076.2); c.745G>A, p.Gly249Arg (NM_001353078.2); short protein forms G475R, G491R, G249R, G467R, G478R, G503R, G518R, G484R.
Identifiers: ClinVar variation 1775083 (VCV001775083.8), dbSNP rs145721476, ClinGen allele CA199413740.

ClinVar aggregate classification (germline): Conflicting classifications of pathogenicity. Review status: criteria provided, conflicting classifications (1 of 4 stars). 3 submissions from 3 submitters: Uncertain significance (1); Likely benign (2). Last evaluated 2024-11-30.

Conditions:
Inborn genetic diseases. Identifiers: MedGen C0950123, MeSH D030342.
Finnish type amyloidosis. Also called: Amyloidosis, familial, Finnish type; Meretoja type amyloidosis; Amyloidosis 5; AMYLOID CRANIAL NEUROPATHY WITH LATTICE CORNEAL DYSTROPHY; AMYLOIDOSIS DUE TO MUTANT GELSOLIN; AMYLOIDOSIS, HEREDITARY SYSTEMIC 4, FINNISH TYPE. Identifiers: Orphanet 85448, MedGen C1622345, MONDO:0007097, OMIM 105120.

Allele frequency attached by ClinVar (database versions not stated): gnomAD exomes 0.00001; TOPMed 0.00007; ESP Exome Variant Server 0.00008; gnomAD 0.00009.
gnomAD v4.1: 27 of 1,537,562 alleles (0.0018%); highest among the groups gnomAD compares: African/African-American, 0.026%; no homozygotes.

Submissions (3):

Labcorp Genetics (formerly Invitae), Labcorp
Classification: Uncertain significance. Last evaluated: 2024-11-30. Review status: criteria provided, single submitter. Criteria: Invitae Variant Classification Sherloc (09022015). Collection method: clinical testing. Allele origin: germline.
Comment: This sequence change replaces glycine, which is neutral and non-polar, with arginine, which is basic and polar, at codon 518 of the GSN protein (p.Gly518Arg). The frequency data for this variant in the population databases is considered unreliable, as metrics indicate poor data quality at this position in the gnomAD database. This variant has not been reported in the literature in individuals affected with GSN-related conditions. ClinVar contains an entry for this variant (Variation ID: 1775083). An algorithm developed to predict the effect of missense changes on protein structure and function (PolyPhen-2) suggests that this variant is likely to be disruptive. In summary, the available evidence is currently insufficient to determine the role of this variant in disease. Therefore, it has been classified as a Variant of Uncertain Significance.

Fulgent Genetics
Classification: Likely benign for Finnish type amyloidosis. Last evaluated: 2024-06-23. Review status: criteria provided, single submitter. Criteria: ACMG Guidelines, 2015. Collection method: clinical testing. Allele origin: germline.

Ambry Genetics
Classification: Likely benign for Inborn genetic diseases. Last evaluated: 2020-10-30. Review status: criteria provided, single submitter. Criteria: Ambry Variant Classification Scheme 2023. Collection method: clinical testing. Allele origin: germline.